The following is an entry in ClinVar:

NM_001211.6(BUB1B):c.562A>G (p.Arg188Gly)

Gene: BUB1B (BUB1 mitotic checkpoint serine/threonine kinase B; plus strand). Cytogenetic location: 15q15.1.
Variant type: single nucleotide variant.
Coding change: c.562A>G on transcript NM_001211.6 (MANE Select); coding-DNA position 562, A replaced by G.
Protein change: p.Arg188Gly; replaces arginine 188 with glycine.
Molecular consequence: missense variant.
Genome position (GRCh38, 1-based): chr15:40,176,654, A>G. VCF-style: chr15-40176654-A-G. GRCh37 (hg19) VCF-style: chr15-40468855-A-G.
Other names: short protein forms R188G.
Identifiers: ClinVar variation 3826095 (VCV003826095.1).

ClinVar aggregate classification (germline): Uncertain significance (1 of 4 stars; one submission).

Conditions:
Inborn genetic diseases. Identifiers: MedGen C0950123, MeSH D030342.

gnomAD v4.1: 1 of 1,614,178 alleles (0.000062%); highest among the groups gnomAD compares: Non-Finnish European, 0.000085%; no homozygotes.

Submission:

Ambry Genetics
Classification: Uncertain significance for Inborn genetic diseases. Last evaluated: 2025-01-13. Review status: criteria provided, single submitter. Criteria: Ambry Variant Classification Scheme 2023. Collection method: clinical testing. Allele origin: germline.
Comment: The p.R188G variant (also known as c.562A>G), located in coding exon 5 of the BUB1B gene, results from an A to G substitution at nucleotide position 562. The arginine at codon 188 is replaced by glycine, an amino acid with dissimilar properties. This amino acid position is conserved. In addition, this alteration is predicted to be tolerated by in silico analysis. Based on the available evidence, the clinical significance of this variant remains unclear.